The following is an entry in ClinVar:

ClinVar aggregate classification (germline): Uncertain significance (1 of 4 stars; one submission).

Conditions:
Familial thoracic aortic aneurysm and aortic dissection (TAAD). Also called: Thoracic aortic aneurysms and dissections. Identifiers: Orphanet 91387, MedGen C4707243, MONDO:0019625.

Submission:

Color Diagnostics, LLC DBA Color Health
Classification: Uncertain significance for Familial thoracic aortic aneurysm and aortic dissection. Last evaluated: 2022-03-08. Review status: criteria provided, single submitter. Criteria: ACMG Guidelines, 2015. Collection method: clinical testing. Allele origin: germline.
Comment: This variant causes a deletion of one nucleotide in intron 50 of the COL3A1 gene. Splice prediction tools and conservation analysis are inconclusive regarding the impact of this variant on RNA splicing. To our knowledge, functional studies have not been reported for this variant. This variant has not been reported in individuals affected with cardiovascular disorders in the literature. This variant has not been identified in the general population by the Genome Aggregation Database (gnomAD). The available evidence is insufficient to determine the role of this variant in disease conclusively. Therefore, this variant is classified as a Variant of Uncertain Significance.

NM_000090.4(COL3A1):c.4255-5del

Gene: COL3A1 (collagen type III alpha 1 chain; plus strand). Cytogenetic location: 2q32.2.
Variant type: Deletion.
Coding change: c.4255-5del on transcript NM_000090.4 (MANE Select); 5 bases into the intron before coding-DNA position 4255, one base deleted (T; older notation c.4255-5delT).
Molecular consequence: intron variant.
Genome position (GRCh38, 1-based): chr2:189,011,623, T deleted; the last of 6 consecutive T bases (chr2:189,011,618-189,011,623); deleting any one gives the same sequence. VCF-style (leftmost placement, unchanged base first): chr2-189011617-CT-C. GRCh37 (hg19) VCF-style: chr2-189876343-CT-C.
Identifiers: ClinVar variation 2775164 (VCV002775164.2), dbSNP rs756502242, ClinGen allele CA2697551420.